The following is an entry in ClinVar:

NC_000005.10:g.(?_80725443)_(80728975_?)del

Gene: MSH3 (mutS homolog 3; plus strand). Cytogenetic location: 5q14.1.
Variant type: Deletion.
Identifiers: ClinVar variation 666214 (VCV000666214.6).

ClinVar aggregate classification (germline): Uncertain significance (1 of 4 stars; one submission).

Submission:

Labcorp Genetics (formerly Invitae), Labcorp
Classification: Uncertain significance. Last evaluated: 2020-11-04. Review status: criteria provided, single submitter. Criteria: Invitae Variant Classification Sherloc (09022015). Collection method: clinical testing. Allele origin: germline.
Comment: This variant is an in-frame deletion of the genomic region encompassing exons 9-10 of the MSH3 gene. It preserves the integrity of the reading frame. This variant has not been reported in the literature in individuals with MSH3-related disease. Experimental studies and prediction algorithms are not available for this variant, and the functional significance of the affected amino acid(s) is currently unknown. In summary, the available evidence is currently insufficient to determine the role of this variant in disease. Therefore, it has been classified as a Variant of Uncertain Significance.